The following is an entry in ClinVar:

NM_001160372.4(TRAPPC9):c.2811-22051C>T

Genes: C8orf17 (chromosome 8 putative open reading frame 17; plus strand), TRAPPC9 (trafficking protein particle complex subunit 9; minus strand). Cytogenetic location: 8q24.3.
Variant type: single nucleotide variant.
Coding change: c.2811-22051C>T on transcript NM_001160372.4 (MANE Select); 22051 bases into the intron before coding-DNA position 2811, C replaced by T.
Molecular consequence: intron variant. On other transcripts: non-coding transcript variant (1).
Genome position (GRCh38, 1-based): chr8:139,932,351, G>A on the plus strand (C>T on the coding strand, the complement: TRAPPC9 is on the minus strand). VCF-style: chr8-139932351-G-A. GRCh37 (hg19) VCF-style: chr8-140944595-G-A.
Other names: c.2832-22051C>T (NM_001374682.1); c.2811-22051C>T (NM_031466.8); c.2784-22051C>T (NM_001321646.2); c.2667-22051C>T (NM_001374684.1); c.2700-22051C>T (NM_001374683.1).
Identifiers: ClinVar variation 3025065 (VCV003025065.22), dbSNP rs376183412, ClinGen allele CA4892935.

ClinVar aggregate classification (germline): Likely benign (1 of 4 stars; one submission).

Allele frequency attached by ClinVar (database versions not stated): gnomAD exomes 0.00047; ExAC 0.00171; 1000 Genomes Project 30x 0.00203; 1000 Genomes Project 0.00220; ESP Exome Variant Server 0.00329; gnomAD 0.00340; TOPMed 0.00410.
gnomAD v4.1: 660 of 457,930 alleles (0.14%); highest among the groups gnomAD compares: African/African-American, 1.1%; 3 homozygotes.

Submission:

CeGaT Center for Human Genetics Tuebingen
Classification: Likely benign. Last evaluated: 2026-08-01. Review status: criteria provided, single submitter. Criteria: CeGaT Center For Human Genetics Tuebingen Variant Classification Criteria Version 2. Collection method: clinical testing. Allele origin: germline. Affected: yes. Observed: 3 variant alleles.
Comment: C8orf17: BS1